The following is an entry in ClinVar:

ClinVar aggregate classification (germline): Uncertain significance (1 of 4 stars; one submission).

Conditions:
Hypertrophic cardiomyopathy. Also called: HYPERTROPHIC MYOCARDIOPATHY. Identifiers: Orphanet 217569, MedGen C0007194, MeSH D002312, MONDO:0005045, HP:0001639.

Allele frequency attached by ClinVar (database versions not stated): gnomAD exomes below 0.00001.
gnomAD v4.1: 1 of 1,592,970 alleles (0.000063%); highest among the groups gnomAD compares: Non-Finnish European, 0.000085%; no homozygotes.

Submission:

Labcorp Genetics (formerly Invitae), Labcorp
Classification: Uncertain significance for Hypertrophic cardiomyopathy. Last evaluated: 2020-07-27. Review status: criteria provided, single submitter. Criteria: Invitae Variant Classification Sherloc (09022015). Collection method: clinical testing. Allele origin: germline.
Comment: This sequence change replaces serine with glycine at codon 615 of the MYBPC3 protein (p.Ser615Gly). The serine residue is highly conserved and there is a small physicochemical difference between serine and glycine. This variant is not present in population databases (ExAC no frequency). This variant has not been reported in the literature in individuals with MYBPC3-related conditions. Algorithms developed to predict the effect of missense changes on protein structure and function are either unavailable or do not agree on the potential impact of this missense change (SIFT: "Deleterious"; PolyPhen-2: "Possibly Damaging"; Align-GVGD: "Class C0"). In summary, the available evidence is currently insufficient to determine the role of this variant in disease. Therefore, it has been classified as a Variant of Uncertain Significance.

NM_000256.3(MYBPC3):c.1843A>G (p.Ser615Gly)

Gene: MYBPC3 (myosin binding protein C3; minus strand). Cytogenetic location: 11p11.2.
Variant type: single nucleotide variant.
Coding change: c.1843A>G on transcript NM_000256.3 (MANE Select); coding-DNA position 1843, A replaced by G.
Protein change: p.Ser615Gly; replaces serine 615 with glycine.
Molecular consequence: missense variant.
Genome position (GRCh38, 1-based): chr11:47,341,192, T>C on the plus strand (A>G on the coding strand, the complement: MYBPC3 is on the minus strand). VCF-style: chr11-47341192-T-C. GRCh37 (hg19) VCF-style: chr11-47362743-T-C.
Other names: short protein forms S615G.
Identifiers: ClinVar variation 1012135 (VCV001012135.8), dbSNP rs2095888152, ClinGen allele CA380323913.